The following is an entry in ClinVar:

ClinVar aggregate classification (germline): Uncertain significance (1 of 4 stars; one submission).

Conditions:
Inborn genetic diseases. Identifiers: MedGen C0950123, MeSH D030342.

Submission:

Ambry Genetics
Classification: Uncertain significance for Inborn genetic diseases. Last evaluated: 2023-10-22. Review status: criteria provided, single submitter. Criteria: Ambry Variant Classification Scheme 2023. Collection method: clinical testing. Allele origin: germline.
Comment: The p.Q623K variant (also known as c.1867C>A), located in coding exon 12 of the EPAS1 gene, results from a C to A substitution at nucleotide position 1867. The glutamine at codon 623 is replaced by lysine, an amino acid with similar properties. This amino acid position is conserved. In addition, this alteration is predicted to be tolerated by in silico analysis. Since supporting evidence is limited at this time, the clinical significance of this alteration remains unclear.

NM_001430.5(EPAS1):c.1867C>A (p.Gln623Lys)

Gene: EPAS1 (endothelial PAS domain protein 1; plus strand). Cytogenetic location: 2p21.
Variant type: single nucleotide variant.
Coding change: c.1867C>A on transcript NM_001430.5 (MANE Select); coding-DNA position 1867, C replaced by A.
Protein change: p.Gln623Lys; replaces glutamine 623 with lysine.
Molecular consequence: missense variant.
Genome position (GRCh38, 1-based): chr2:46,380,539, C>A. VCF-style: chr2-46380539-C-A. GRCh37 (hg19) VCF-style: chr2-46607678-C-A.
Other names: short protein forms Q623K.
Identifiers: ClinVar variation 3221577 (VCV003221577.1), dbSNP rs2546477458, ClinGen allele CA346705045.
Genomic context (GRCh38, chr2:46,380,539, plus strand): 5'-CCCATGTCCTCCATCTTCTTTGATGCCGGAAGCAAAGCATCCCTGCCACCGTGCTGTGGC[C>A]AGGCCAGCACCCCTCTCTCTTCCATGGGGGGCAGATCCAATACCCAGTGGCCCCCAGATC-3'
Protein context (NP_001421.2, residues 613-633): SKASLPPCCG[Gln623Lys]ASTPLSSMGG